The following is an entry in ClinVar:

NM_012414.4(RAB3GAP2):c.695G>A (p.Arg232Gln)

Gene: RAB3GAP2 (RAB3 GTPase activating non-catalytic protein subunit 2; minus strand). Cytogenetic location: 1q41.
Variant type: single nucleotide variant.
Coding change: c.695G>A on transcript NM_012414.4 (MANE Select); coding-DNA position 695, G replaced by A.
Protein change: p.Arg232Gln; replaces arginine 232 with glutamine.
Molecular consequence: missense variant.
Genome position (GRCh38, 1-based): chr1:220,205,924, C>T on the plus strand (G>A on the coding strand, the complement: RAB3GAP2 is on the minus strand). VCF-style: chr1-220205924-C-T. GRCh37 (hg19) VCF-style: chr1-220379266-C-T.
Other names: short protein forms R232Q.
Identifiers: ClinVar variation 875250 (VCV000875250.9), dbSNP rs189134236, ClinGen allele CA1402933.
Genomic context (GRCh38, chr1:220,205,924, plus strand): 5'-ACAAACATTAACAGAGGTTAAATATTTCTTGCCAAAATATTACCTTTTGCTACCTGATTT[C>T]GACAAGCACGAAGAGATTGAAAAAGGCTAAATCCATCAATAGTCACAATGGCAGCTGGAT-3'
Protein context (NP_036546.2, residues 222-242): FSLFQSLRAC[Arg232Gln]NQVAKAAASG

ClinVar aggregate classification (germline): Uncertain significance. Review status: criteria provided, multiple submitters, no conflicts (2 of 4 stars). 4 submissions from 3 submitters: Uncertain significance (4). Last evaluated 2025-03-07.

Conditions:
Martsolf syndrome (MARTS). Also called: Congenital cataract with intellectual disability and hypogonadotropic hypogonadism syndrome. Identifiers: Orphanet 1387, MedGen C0796037, MONDO:0023910.
Inborn genetic diseases. Identifiers: MedGen C0950123, MeSH D030342.
Warburg micro syndrome 2 (WARBM2). Also called: MICRO SYNDROME 2. Identifiers: Orphanet 2510, MedGen C3280214, MONDO:0013641, OMIM 614225.

Allele frequency attached by ClinVar (database versions not stated): gnomAD 0.00001; TOPMed 0.00002; ExAC 0.00003; gnomAD exomes 0.00003 and 0.00004; 1000 Genomes Project 0.00020; 1000 Genomes Project 30x 0.00031.
gnomAD v4.1: 47 of 1,605,760 alleles (0.0029%); highest among the groups gnomAD compares: Middle Eastern, 0.017%; no homozygotes.

Submissions (4):

Labcorp Genetics (formerly Invitae), Labcorp
Classification: Uncertain significance for Martsolf syndrome; Warburg micro syndrome 2. Last evaluated: 2025-03-07. Review status: criteria provided, single submitter. Criteria: Invitae Variant Classification Sherloc (09022015). Collection method: clinical testing. Allele origin: germline.
Comment: This sequence change replaces arginine, which is basic and polar, with glutamine, which is neutral and polar, at codon 232 of the RAB3GAP2 protein (p.Arg232Gln). This variant is present in population databases (rs189134236, gnomAD 0.03%). This variant has not been reported in the literature in individuals affected with RAB3GAP2-related conditions. ClinVar contains an entry for this variant (Variation ID: 875250). Invitae Evidence Modeling of protein sequence and biophysical properties (such as structural, functional, and spatial information, amino acid conservation, physicochemical variation, residue mobility, and thermodynamic stability) indicates that this missense variant is expected to disrupt RAB3GAP2 protein function with a positive predictive value of 80%. In summary, the available evidence is currently insufficient to determine the role of this variant in disease. Therefore, it has been classified as a Variant of Uncertain Significance.

Ambry Genetics
Classification: Uncertain significance for Inborn genetic diseases. Last evaluated: 2024-12-03. Review status: criteria provided, single submitter. Criteria: Ambry Variant Classification Scheme 2023. Collection method: clinical testing. Allele origin: germline.

Illumina Laboratory Services, Illumina
Classification: Uncertain significance for Martsolf syndrome 1. Last evaluated: 2017-04-27. Review status: criteria provided, single submitter. Criteria: ICSL Variant Classification Criteria 13 December 2019. Collection method: clinical testing. Allele origin: germline.

Illumina Laboratory Services, Illumina
Classification: Uncertain significance for Warburg micro syndrome 2. Last evaluated: 2017-04-27. Review status: criteria provided, single submitter. Criteria: ICSL Variant Classification Criteria 13 December 2019. Collection method: clinical testing. Allele origin: germline.